The following is an entry in ClinVar:

NM_021625.5(TRPV4):c.88G>A (p.Ala30Thr)

Gene: TRPV4 (transient receptor potential cation channel subfamily V member 4; minus strand). Cytogenetic location: 12q24.11.
Variant type: single nucleotide variant.
Coding change: c.88G>A on transcript NM_021625.5 (MANE Select); coding-DNA position 88, G replaced by A.
Protein change: p.Ala30Thr; replaces alanine 30 with threonine.
Molecular consequence: missense variant. On other transcripts: intron variant (1).
Genome position (GRCh38, 1-based): chr12:109,814,709, C>T on the plus strand (G>A on the coding strand, the complement: TRPV4 is on the minus strand). VCF-style: chr12-109814709-C-T. GRCh37 (hg19) VCF-style: chr12-110252514-C-T.
Other names: c.88G>A, p.Ala30Thr (NM_147204.3, NM_001177428.2, NM_001177433.2); c.79+9G>A (NM_001177431.1); short protein forms A30T.
Identifiers: ClinVar variation 2856982 (VCV002856982.3), dbSNP rs959564140, ClinGen allele CA243479021.

ClinVar aggregate classification (germline): Uncertain significance (1 of 4 stars; one submission).

Conditions:
Charcot-Marie-Tooth disease axonal type 2C (HMSN2C). Also called: CHARCOT-MARIE-TOOTH DISEASE, AXONAL, AUTOSOMAL DOMINANT, TYPE 2C; Charcot-Marie-Tooth Neuropathy Type 2C; Charcot-Marie-Tooth Disease Type 2, TRPV4-Related (CMT2C). Identifiers: Orphanet 99937, MedGen C1853710, MONDO:0011633, OMIM 606071.

Allele frequency attached by ClinVar (database versions not stated): gnomAD exomes below 0.00001.
gnomAD v4.1: 1 of 1,606,408 alleles (0.000062%); highest among the groups gnomAD compares: Non-Finnish European, 0.000085%; no homozygotes.

Submission:

Labcorp Genetics (formerly Invitae), Labcorp
Classification: Uncertain significance for Charcot-Marie-Tooth disease axonal type 2C. Last evaluated: 2024-07-02. Review status: criteria provided, single submitter. Criteria: Invitae Variant Classification Sherloc (09022015). Collection method: clinical testing. Allele origin: germline.
Comment: This sequence change replaces alanine, which is neutral and non-polar, with threonine, which is neutral and polar, at codon 30 of the TRPV4 protein (p.Ala30Thr). This variant is not present in population databases (gnomAD no frequency). This variant has not been reported in the literature in individuals affected with TRPV4-related conditions. Advanced modeling of protein sequence and biophysical properties (such as structural, functional, and spatial information, amino acid conservation, physicochemical variation, residue mobility, and thermodynamic stability) performed at Invitae indicates that this missense variant is not expected to disrupt TRPV4 protein function with a negative predictive value of 95%. In summary, the available evidence is currently insufficient to determine the role of this variant in disease. Therefore, it has been classified as a Variant of Uncertain Significance.